The following is an entry in ClinVar:

NM_003998.4(NFKB1):c.779C>T (p.Ala260Val)

Gene: NFKB1 (nuclear factor kappa B subunit 1; plus strand). Cytogenetic location: 4q24.
Variant type: single nucleotide variant.
Coding change: c.779C>T on transcript NM_003998.4 (MANE Select); coding-DNA position 779, C replaced by T.
Protein change: p.Ala260Val; replaces alanine 260 with valine.
Molecular consequence: missense variant.
Genome position (GRCh38, 1-based): chr4:102,580,583, C>T. VCF-style: chr4-102580583-C-T. GRCh37 (hg19) VCF-style: chr4-103501740-C-T.
Other names: c.776C>T, p.Ala259Val (NM_001165412.2, NM_001319226.2, NM_001382627.1); c.779C>T, p.Ala260Val (NM_001382625.1, NM_001382626.1); c.737C>T, p.Ala246Val (NM_001382628.1); short protein forms A246V, A259V, A260V.
Identifiers: ClinVar variation 2851009 (VCV002851009.3), dbSNP rs2476425502, ClinGen allele CA357960059.
Genomic context (GRCh38, chr4:102,580,583, plus strand): 5'-CCCTGTGAACAGAAGCCCCCAATGCATCCAACTTGAAAATTGTAAGAATGGACAGGACAG[C>T]TGGATGTGTGACTGGAGGGGAGGAAATTTATCTTCTTTGTGACAAAGTTCAGAAAGGTAA-3'
Protein context (NP_003989.2, residues 250-270): NLKIVRMDRT[Ala260Val]GCVTGGEEIY

ClinVar aggregate classification (germline): Uncertain significance (1 of 4 stars; one submission).

Allele frequency attached by ClinVar (database versions not stated): gnomAD exomes below 0.00001.
gnomAD v4.1: 1 of 1,613,930 alleles (0.000062%); highest among the groups gnomAD compares: Non-Finnish European, 0.000085%; no homozygotes.

Submission:

Labcorp Genetics (formerly Invitae), Labcorp
Classification: Uncertain significance. Last evaluated: 2023-03-30. Review status: criteria provided, single submitter. Criteria: Invitae Variant Classification Sherloc (09022015). Collection method: clinical testing. Allele origin: germline.
Comment: This sequence change replaces alanine, which is neutral and non-polar, with valine, which is neutral and non-polar, at codon 260 of the NFKB1 protein (p.Ala260Val). This variant is not present in population databases (gnomAD no frequency). This variant has not been reported in the literature in individuals affected with NFKB1-related conditions. Advanced modeling of protein sequence and biophysical properties (such as structural, functional, and spatial information, amino acid conservation, physicochemical variation, residue mobility, and thermodynamic stability) performed at Invitae indicates that this missense variant is not expected to disrupt NFKB1 protein function. In summary, the available evidence is currently insufficient to determine the role of this variant in disease. Therefore, it has been classified as a Variant of Uncertain Significance.